The following is an entry in ClinVar:

NM_001267550.2(TTN):c.95253C>G (p.Ser31751Arg)

Genes: TTN (titin; minus strand), TTN-AS1 (TTN antisense RNA 1; plus strand). Cytogenetic location: 2q31.2.
Variant type: single nucleotide variant.
Coding change: c.95253C>G on transcript NM_001267550.2 (MANE Select); coding-DNA position 95253, C replaced by G.
Protein change: p.Ser31751Arg; replaces serine 31751 with arginine.
Molecular consequence: missense variant.
Genome position (GRCh38, 1-based): chr2:178,545,983, G>C on the plus strand (C>G on the coding strand, the complement: TTN is on the minus strand). VCF-style: chr2-178545983-G-C. GRCh37 (hg19) VCF-style: chr2-179410710-G-C.
Other names: c.90330C>G, p.Ser30110Arg (NM_001256850.1); c.68058C>G, p.Ser22686Arg (NM_003319.4); c.87549C>G, p.Ser29183Arg (NM_133378.4); c.68433C>G, p.Ser22811Arg (NM_133432.3); c.68634C>G, p.Ser22878Arg (NM_133437.4); short protein forms S22686R, S29183R, S31751R, S30110R, S22811R, S22878R.
Identifiers: ClinVar variation 4790034 (VCV004790034.1).

ClinVar aggregate classification (germline): Uncertain significance (1 of 4 stars; one submission).

Conditions:
Autosomal recessive limb-girdle muscular dystrophy type 2J (LGMDR10). Also called: Limb-girdle muscular dystrophy, type 2J; MUSCULAR DYSTROPHY, LIMB-GIRDLE, AUTOSOMAL RECESSIVE 10. Identifiers: Orphanet 140922, MedGen C1837342, MONDO:0012127, OMIM 608807.
Dilated cardiomyopathy 1G (CMD1G). Identifiers: Orphanet 154, MedGen C1858763, MONDO:0011400, OMIM 604145.

gnomAD v4.1: 13 of 1,613,790 alleles (0.00081%); highest among the groups gnomAD compares: Non-Finnish European, 0.001%; no homozygotes.

Submission:

Labcorp Genetics (formerly Invitae), Labcorp
Classification: Uncertain significance for Dilated cardiomyopathy 1G; Autosomal recessive limb-girdle muscular dystrophy type 2J. Last evaluated: 2025-02-19. Review status: criteria provided, single submitter. Criteria: Invitae Variant Classification Sherloc (09022015). Collection method: clinical testing. Allele origin: germline.
Comment: This sequence change replaces serine, which is neutral and polar, with arginine, which is basic and polar, at codon 31751 of the TTN protein (p.Ser31751Arg). This variant is present in population databases (rs753420295, gnomAD 0.0009%). This variant has not been reported in the literature in individuals affected with TTN-related conditions. Experimental studies and prediction algorithms are not available or were not evaluated, and the functional significance of this variant is currently unknown. This variant is located in the A band of TTN (PMID: 25589632). Variants in this region may be relevant for cardiac or neuromuscular disorders (PMID: 25589632, 23975875). In summary, the available evidence is currently insufficient to determine the role of this variant in disease. Therefore, it has been classified as a Variant of Uncertain Significance.

Literature cited by the submitters: PubMed 25589632; PubMed 23975875.